The following is an entry in ClinVar:

ClinVar aggregate classification (germline): Uncertain significance (1 of 4 stars; one submission).

Conditions:
Short-rib thoracic dysplasia 14 with polydactyly (SRTD14). Identifiers: Orphanet 397715, MedGen C4225286, MONDO:0014688, OMIM 616546.
Joubert syndrome 23 (JBTS23). Identifiers: Orphanet 475, MedGen C4084822, MONDO:0014664, OMIM 616490.

Submission:

Labcorp Genetics (formerly Invitae), Labcorp
Classification: Uncertain significance for Joubert syndrome 23; Short-rib thoracic dysplasia 14 with polydactyly. Last evaluated: 2022-07-27. Review status: criteria provided, single submitter. Criteria: Invitae Variant Classification Sherloc (09022015). Collection method: clinical testing. Allele origin: germline.
Comment: This sequence change replaces lysine, which is basic and polar, with asparagine, which is neutral and polar, at codon 904 of the KIAA0586 protein (p.Lys904Asn). This variant also falls at the last nucleotide of exon 19, which is part of the consensus splice site for this exon. This variant is not present in population databases (gnomAD no frequency). This variant has not been reported in the literature in individuals affected with KIAA0586-related conditions. Algorithms developed to predict the effect of missense changes on protein structure and function are either unavailable or do not agree on the potential impact of this missense change (SIFT: "Deleterious"; PolyPhen-2: "Benign"; Align-GVGD: "Class C0"). Variants that disrupt the consensus splice site are a relatively common cause of aberrant splicing (PMID: 17576681, 9536098). Algorithms developed to predict the effect of sequence changes on RNA splicing suggest that this variant may disrupt the consensus splice site. In summary, the available evidence is currently insufficient to determine the role of this variant in disease. Therefore, it has been classified as a Variant of Uncertain Significance.

Literature cited by the submitters: PubMed 17576681; PubMed 9536098.

NM_001329943.3(KIAA0586):c.2553G>T (p.Lys851Asn)

Gene: KIAA0586 (KIAA0586; plus strand). Cytogenetic location: 14q23.1.
Variant type: single nucleotide variant.
Coding change: c.2553G>T on transcript NM_001329943.3 (MANE Select); coding-DNA position 2553, G replaced by T.
Protein change: p.Lys851Asn; replaces lysine 851 with asparagine.
Molecular consequence: missense variant.
Genome position (GRCh38, 1-based): chr14:58,470,723, G>T. VCF-style: chr14-58470723-G-T. GRCh37 (hg19) VCF-style: chr14-58937441-G-T.
Other names: c.2712G>T, p.Lys904Asn (NM_001244189.2); c.2508G>T, p.Lys836Asn (NM_001244190.2); c.2298G>T, p.Lys766Asn (NM_001244191.2, NM_001329945.2, NM_001364700.1 and 1 more transcripts); c.2421G>T, p.Lys807Asn (NM_001244192.2); c.2133G>T, p.Lys711Asn (NM_001244193.2); c.2553G>T, p.Lys851Asn (NM_001329944.2, NM_001329946.2, NM_001329947.2); c.2325G>T, p.Lys775Asn (NM_014749.5); short protein forms K766N, K775N, K807N, K851N, K904N, K711N, K836N.
Identifiers: ClinVar variation 1955041 (VCV001955041.2), dbSNP rs1024217852, ClinGen allele CA389876563.